The following is an entry in ClinVar:

NM_000038.6(APC):c.3329C>G (p.Ser1110Ter)

Gene: APC (APC regulator of Wnt signaling pathway; plus strand). Cytogenetic location: 5q22.2.
Variant type: single nucleotide variant.
Coding change: c.3329C>G on transcript NM_000038.6 (MANE Select); coding-DNA position 3329, C replaced by G.
Protein change: p.Ser1110Ter; replaces serine 1110 with a stop codon.
Molecular consequence: nonsense.
Genome position (GRCh38, 1-based): chr5:112,838,923, C>G. VCF-style: chr5-112838923-C-G. GRCh37 (hg19) VCF-style: chr5-112174620-C-G.
Other names: c.3329C>G, p.Ser1110Ter (NM_001127510.3, NM_001354895.2); c.3359C>G, p.Ser1120Ter (NM_001354897.2); c.3383C>G, p.Ser1128Ter (NM_001354896.2); c.3254C>G, p.Ser1085Ter (NM_001354898.2); c.3275C>G, p.Ser1092Ter (NM_001127511.3); c.3245C>G, p.Ser1082Ter (NM_001354899.2); c.3206C>G, p.Ser1069Ter (NM_001354900.2); c.3152C>G, p.Ser1051Ter (NM_001354901.2); and 5 more; short protein forms S1009*, S1019*, S1051*, S1069*, S1082*, S1085*, S1092*, S1110*.
Identifiers: ClinVar variation 928634 (VCV000928634.3), dbSNP rs1580634079, ClinGen allele CA16028633.

ClinVar aggregate classification (germline): Pathogenic. Review status: criteria provided, multiple submitters, no conflicts (2 of 4 stars). 3 submissions from 3 submitters: Pathogenic (2). 1 of the submissions does not count toward it. Last evaluated 2023-05-08.

Conditions:
Familial multiple polyposis syndrome (FAP). Also called: Classic familial adenomatous polyposis; Familial polyposis; Familial adenomatous polyposis; Familial intestinal polyposis; Familial Adenomatous Polyposis (FAP). Identifiers: Orphanet 733, MedGen C0032580, MONDO:0021055. Disease mechanism: loss of function.
Familial adenomatous polyposis 1 (FAP1). Also called: FAMILIAL ADENOMATOUS POLYPOSIS 1, ATTENUATED; POLYPOSIS, ADENOMATOUS INTESTINAL. Identifiers: MedGen C2713442, MONDO:0021056, OMIM 175100. Disease mechanism: loss of function.

Submissions (3):

Myriad Genetics, Inc.
Classification: Pathogenic for Familial adenomatous polyposis 1. Last evaluated: 2023-05-08. Review status: criteria provided, single submitter. Criteria: Myriad Autosomal Dominant, Autosomal Recessive and X-Linked Classification Criteria (2023). Collection method: clinical testing. Allele origin: unknown.
Comment: This variant is considered pathogenic. This variant creates a termination codon and is predicted to result in premature protein truncation.

Women's Health and Genetics/Laboratory Corporation of America, LabCorp
Classification: Pathogenic for Familial adenomatous polyposis. Last evaluated: 2019-08-16. Review status: criteria provided, single submitter. Criteria: LabCorp Variant Classification Summary - May 2015. Collection method: clinical testing. Allele origin: germline.
Comment: Variant summary: APC c.3329C>G (p.Ser1110X) results in a premature termination codon, predicted to cause a truncation of the encoded protein or absence of the protein due to nonsense mediated decay, which are commonly known mechanisms for disease. Truncations downstream of this position have been classified as pathogenic by our laboratory. The variant was absent in 250468 control chromosomes. c.3329C>G has been reported in the literature in individuals affected with Familial Adenomatous Polyposis (Nagase_1992, Miyaki_1994, Renkonen_2005, Andresen_2009). These data indicate that the variant is likely to be associated with disease. To our knowledge, no experimental evidence demonstrating an impact on protein function has been reported. No clinical diagnostic laboratories have submitted clinical-significance assessments for this variant to ClinVar after 2014. Based on the evidence outlined above, the variant was classified as pathogenic.

Department of Pathology and Laboratory Medicine, Sinai Health System
Classification: Pathogenic for Familial adenomatous polyposis 1. Review status: no assertion criteria provided. Collection method: clinical testing. Allele origin: unknown. Affected: yes. Study: The Canadian Open Genetics Repository (COGR). Not counted in ClinVar's aggregate classification.
Comment: The APC p.Ser1110* variant was identified in 4 of 1966 proband chromosomes (frequency: 0.002) from individuals or families with FAP (Enomoto 2000, Lagarde 2010, Miyaki 1994). The variant was also identified in LOVD 3.0 (2X ). The variant was not identified in dbSNP or ClinVar. The variant was not identified in the following control databases: the Exome Aggregation Consortium (August 8th 2016), or the Genome Aggregation Database (Feb 27, 2017). The c.3329C>G variant leads to a premature stop codon at position 1110 which is predicted to lead to a truncated or absent protein and loss of function. Loss of function variants of the APC gene are an established mechanism of disease in APC associated cancers and is the type of variant expected to cause the disorder. In addition, the study on the relationship between germline mutation of the APC gene and extra-colonic manifestations suggests that mutant APC proteins truncated after codon 1110 may have significant dominant negative effects on the wild-type APC protein, compared with mutant APC proteins truncated before codon 1110 (Enomoto 2000). In summary, based on the above information this variant meets our laboratoryâ€šÃ„Ã´s criteria to be classified as pathogenic.

Literature cited by the submitters: PubMed 19531215 (cited by Women's Health and Genetics/Laboratory Corporation of America, LabCorp); PubMed 1338764 (cited by Women's Health and Genetics/Laboratory Corporation of America, LabCorp); PubMed 8187091 (cited by Women's Health and Genetics/Laboratory Corporation of America, LabCorp); PubMed 19444466 (cited by Women's Health and Genetics/Laboratory Corporation of America, LabCorp); PubMed 16110024 (cited by Women's Health and Genetics/Laboratory Corporation of America, LabCorp).